The following is an entry in ClinVar:

ClinVar aggregate classification (germline): Uncertain significance. Review status: criteria provided, multiple submitters, no conflicts (2 of 4 stars). 2 submissions from 2 submitters: Uncertain significance (2). Last evaluated 2024-05-14.

Conditions:
Lipodystrophy, partial, acquired, susceptibility to (APLD). Also called: APLD, SUSCEPTIBILITY TO. Identifiers: MedGen C3887501, MONDO:0100476, OMIM 608709.
Progressive myoclonic epilepsy type 9. Identifiers: Orphanet 457265, MedGen C4225289, MONDO:0014685, OMIM 616540.

Allele frequency attached by ClinVar (database versions not stated): gnomAD exomes 0.00001 and 0.00010.
gnomAD v4.1: 10 of 1,185,882 alleles (0.00084%); highest among the groups gnomAD compares: South Asian, 0.038%; no homozygotes.

Submissions (2):

Ambry Genetics
Classification: Uncertain significance. Last evaluated: 2024-05-14. Review status: criteria provided, single submitter. Criteria: Ambry Variant Classification Scheme 2023. Collection method: clinical testing. Allele origin: germline.

Labcorp Genetics (formerly Invitae), Labcorp
Classification: Uncertain significance for Progressive myoclonic epilepsy type 9; Lipodystrophy, partial, acquired, susceptibility to. Last evaluated: 2021-07-21. Review status: criteria provided, single submitter. Criteria: Invitae Variant Classification Sherloc (09022015). Collection method: clinical testing. Allele origin: germline.
Comment: In summary, the available evidence is currently insufficient to determine the role of this variant in disease. Therefore, it has been classified as a Variant of Uncertain Significance. Algorithms developed to predict the effect of sequence changes on RNA splicing suggest that this variant may create or strengthen a splice site. Algorithms developed to predict the effect of missense changes on protein structure and function are either unavailable or do not agree on the potential impact of this missense change (SIFT: "Tolerated"; PolyPhen-2: "Possibly Damaging"; Align-GVGD: "Class C0"). This variant has not been reported in the literature in individuals affected with LMNB2-related conditions. The frequency data for this variant in the population databases is considered unreliable, as metrics indicate insufficient coverage at this position in the ExAC database. This sequence change replaces proline with glutamine at codon 24 of the LMNB2 protein (p.Pro24Gln). The proline residue is weakly conserved and there is a moderate physicochemical difference between proline and glutamine.

NM_032737.4(LMNB2):c.71C>A (p.Pro24Gln)

Gene: LMNB2 (lamin B2; minus strand). Cytogenetic location: 19p13.3.
Variant type: single nucleotide variant.
Coding change: c.71C>A on transcript NM_032737.4 (MANE Select); coding-DNA position 71, C replaced by A.
Protein change: p.Pro24Gln; replaces proline 24 with glutamine.
Molecular consequence: missense variant.
Genome position (GRCh38, 1-based): chr19:2,456,863, G>T on the plus strand (C>A on the coding strand, the complement: LMNB2 is on the minus strand). VCF-style: chr19-2456863-G-T. GRCh37 (hg19) VCF-style: chr19-2456861-G-T.
Other names: c.11C>A (NM_032737.2); short protein forms P24Q.
Identifiers: ClinVar variation 1472195 (VCV001472195.9), dbSNP rs1188775924, ClinGen allele CA403260113.
Genomic context (GRCh38, chr19:2,456,863, plus strand): 5'-AGCCGCGACAGGCGCGTGGGCGACAGCGGCGTGGCGGGCCCGCCCGCGCGGCCGGGCAGC[G>T]GCGTGGCCATGGTGGCGGCGGCTCGCGGCCTGCGCTGCTCCCGACGGCGGCCCGGGCTCG-3'
Protein context (NP_116126.3, residues 14-34): RPRAAATMAT[Pro24Gln]LPGRAGGPAT